The following is an entry in ClinVar:

ClinVar aggregate classification (germline): Uncertain significance (1 of 4 stars; one submission).

Conditions:
Hypertrophic cardiomyopathy 14. Identifiers: MedGen C2750467, MONDO:0013197, OMIM 613251.

gnomAD v4.1: 2 of 1,614,190 alleles (0.00012%); highest among the groups gnomAD compares: Non-Finnish European, 0.000085%; no homozygotes.

Submission:

Labcorp Genetics (formerly Invitae), Labcorp
Classification: Uncertain significance for Hypertrophic cardiomyopathy 14. Last evaluated: 2023-05-04. Review status: criteria provided, single submitter. Criteria: Invitae Variant Classification Sherloc (09022015). Collection method: clinical testing. Allele origin: germline.
Comment: This sequence change replaces threonine, which is neutral and polar, with isoleucine, which is neutral and non-polar, at codon 1607 of the MYH6 protein (p.Thr1607Ile). In summary, the available evidence is currently insufficient to determine the role of this variant in disease. Therefore, it has been classified as a Variant of Uncertain Significance. An algorithm developed to predict the effect of missense changes on protein structure and function (PolyPhen-2) suggests that this variant is likely to be tolerated. This variant has not been reported in the literature in individuals affected with MYH6-related conditions. This variant is not present in population databases (gnomAD no frequency).

NM_002471.4(MYH6):c.4820C>T (p.Thr1607Ile)

Genes: MYH6 (myosin heavy chain 6; minus strand), LOC126861896 (BRD4-independent group 4 enhancer GRCh37_chr14:23854904-23856103; plus strand). Cytogenetic location: 14q11.2.
Variant type: single nucleotide variant.
Coding change: c.4820C>T on transcript NM_002471.4 (MANE Select); coding-DNA position 4820, C replaced by T.
Protein change: p.Thr1607Ile; replaces threonine 1607 with isoleucine.
Molecular consequence: missense variant.
Genome position (GRCh38, 1-based): chr14:23,386,454, G>A on the plus strand (C>T on the coding strand, the complement: MYH6 is on the minus strand). VCF-style: chr14-23386454-G-A. GRCh37 (hg19) VCF-style: chr14-23855663-G-A.
Other names: short protein forms T1607I.
Identifiers: ClinVar variation 2884414 (VCV002884414.3), dbSNP rs1415720891, ClinGen allele CA388991729.